The following is an entry in ClinVar:

NM_000092.5(COL4A4):c.2986G>C (p.Gly996Arg)

Gene: COL4A4 (collagen type IV alpha 4 chain; minus strand). Cytogenetic location: 2q36.3.
Variant type: single nucleotide variant.
Coding change: c.2986G>C on transcript NM_000092.5 (MANE Select); coding-DNA position 2986, G replaced by C.
Protein change: p.Gly996Arg; replaces glycine 996 with arginine.
Molecular consequence: missense variant.
Genome position (GRCh38, 1-based): chr2:227,051,141, C>G on the plus strand (G>C on the coding strand, the complement: COL4A4 is on the minus strand). VCF-style: chr2-227051141-C-G. GRCh37 (hg19) VCF-style: chr2-227915857-C-G.
Other names: short protein forms G996R.
Identifiers: ClinVar variation 3896313 (VCV003896313.2).

ClinVar aggregate classification (germline): Uncertain significance (1 of 4 stars; one submission).

Submission:

Women's Health and Genetics/Laboratory Corporation of America, LabCorp
Classification: Uncertain significance. Last evaluated: 2025-04-29. Review status: criteria provided, single submitter. Criteria: LabCorp Variant Classification Summary - May 2015. Collection method: clinical testing. Allele origin: germline.
Comment: Variant summary: COL4A4 c.2986G>C (p.Gly996Arg) results in a non-conservative amino acid change in the encoded protein sequence. Five of five in-silico tools predict a damaging effect of the variant on protein function. The variant was absent in 249466 control chromosomes (gnomAD). The available data on variant occurrences in the general population are insufficient to allow any conclusion about variant significance. c.2986G>C has not been reported in the literature. However, another variant c.2986G>A (p.Gly996Arg) has been observed in individuals with hematuria/proteinuria and Alport-related symptoms (Kovcs_2016, Li_2020). These reports do not provide unequivocal conclusions about association of this variant with Alport Syndrome, Autosomal Recessive. To our knowledge, no experimental evidence demonstrating an impact on protein function has been reported. The following publications have been ascertained in the context of this evaluation (PMID: 26934356, 32647767). No submitters have cited clinical-significance assessments for this variant to ClinVar. Based on the evidence outlined above, the variant was classified as uncertain significance.

Literature cited by the submitters: PubMed 26934356; PubMed 32647767.